The following continues an entry in ClinVar:

NM_012143.4(TFIP11):c.23G>A (p.Arg8Gln)

Gene: TFIP11. ClinVar aggregate classification (germline): Benign/Likely benign. Benign (2); Likely benign (2).

Submissions 33 to 57 of 57:

Dr. Peter K. Rogan Lab, Western University
No classification provided (evidence only). Condition: Sarcoma. Review status: no classification provided. Collection method: in vitro. Allele origin: not applicable. Functional consequence: retained intron. Not counted in ClinVar's aggregate classification.

Dr. Peter K. Rogan Lab, Western University
No classification provided (evidence only). Condition: Sarcoma. Review status: no classification provided. Collection method: in vitro. Allele origin: not applicable. Functional consequence: retained intron. Not counted in ClinVar's aggregate classification.

Dr. Peter K. Rogan Lab, Western University
No classification provided (evidence only). Condition: Sarcoma. Review status: no classification provided. Collection method: in vitro. Allele origin: not applicable. Functional consequence: retained intron. Not counted in ClinVar's aggregate classification.

Dr. Peter K. Rogan Lab, Western University
No classification provided (evidence only). Condition: Sarcoma. Review status: no classification provided. Collection method: in vitro. Allele origin: not applicable. Functional consequence: retained intron. Not counted in ClinVar's aggregate classification.

Dr. Peter K. Rogan Lab, Western University
No classification provided (evidence only). Condition: Sarcoma. Review status: no classification provided. Collection method: in vitro. Allele origin: not applicable. Functional consequence: retained intron. Not counted in ClinVar's aggregate classification.

Dr. Peter K. Rogan Lab, Western University
No classification provided (evidence only). Condition: Malignant lymphoma, large B-cell, diffuse. Review status: no classification provided. Collection method: in vitro. Allele origin: not applicable. Functional consequence: retained intron. Not counted in ClinVar's aggregate classification.

Dr. Peter K. Rogan Lab, Western University
No classification provided (evidence only). Condition: Malignant lymphoma, large B-cell, diffuse. Review status: no classification provided. Collection method: in vitro. Allele origin: not applicable. Functional consequence: retained intron. Not counted in ClinVar's aggregate classification.

Dr. Peter K. Rogan Lab, Western University
No classification provided (evidence only). Condition: Hepatocellular carcinoma. Review status: no classification provided. Collection method: in vitro. Allele origin: not applicable. Functional consequence: retained intron. Not counted in ClinVar's aggregate classification.

Dr. Peter K. Rogan Lab, Western University
No classification provided (evidence only). Condition: Hepatocellular carcinoma. Review status: no classification provided. Collection method: in vitro. Allele origin: not applicable. Functional consequence: retained intron. Not counted in ClinVar's aggregate classification.

Dr. Peter K. Rogan Lab, Western University
No classification provided (evidence only). Condition: Nonpapillary renal cell carcinoma. Review status: no classification provided. Collection method: in vitro. Allele origin: not applicable. Functional consequence: retained intron. Not counted in ClinVar's aggregate classification.

Dr. Peter K. Rogan Lab, Western University
No classification provided (evidence only). Condition: Nonpapillary renal cell carcinoma. Review status: no classification provided. Collection method: in vitro. Allele origin: not applicable. Functional consequence: retained intron. Not counted in ClinVar's aggregate classification.

Dr. Peter K. Rogan Lab, Western University
No classification provided (evidence only). Condition: Ovarian serous cystadenocarcinoma. Review status: no classification provided. Collection method: in vitro. Allele origin: not applicable. Functional consequence: retained intron. Not counted in ClinVar's aggregate classification.

Dr. Peter K. Rogan Lab, Western University
No classification provided (evidence only). Condition: Ovarian serous cystadenocarcinoma. Review status: no classification provided. Collection method: in vitro. Allele origin: not applicable. Functional consequence: retained intron. Not counted in ClinVar's aggregate classification.

Dr. Peter K. Rogan Lab, Western University
No classification provided (evidence only). Condition: Ovarian serous cystadenocarcinoma. Review status: no classification provided. Collection method: in vitro. Allele origin: not applicable. Functional consequence: retained intron. Not counted in ClinVar's aggregate classification.

Dr. Peter K. Rogan Lab, Western University
No classification provided (evidence only). Condition: Ovarian serous cystadenocarcinoma. Review status: no classification provided. Collection method: in vitro. Allele origin: not applicable. Functional consequence: retained intron. Not counted in ClinVar's aggregate classification.

Dr. Peter K. Rogan Lab, Western University
No classification provided (evidence only). Condition: Ovarian serous cystadenocarcinoma. Review status: no classification provided. Collection method: in vitro. Allele origin: not applicable. Functional consequence: retained intron. Not counted in ClinVar's aggregate classification.

Dr. Peter K. Rogan Lab, Western University
No classification provided (evidence only). Condition: Ovarian serous cystadenocarcinoma. Review status: no classification provided. Collection method: in vitro. Allele origin: not applicable. Functional consequence: retained intron. Not counted in ClinVar's aggregate classification.

Dr. Peter K. Rogan Lab, Western University
No classification provided (evidence only). Condition: Gastric cancer. Review status: no classification provided. Collection method: in vitro. Allele origin: not applicable. Functional consequence: retained intron. Not counted in ClinVar's aggregate classification.

Dr. Peter K. Rogan Lab, Western University
No classification provided (evidence only). Condition: Gastric cancer. Review status: no classification provided. Collection method: in vitro. Allele origin: not applicable. Functional consequence: retained intron. Not counted in ClinVar's aggregate classification.

Dr. Peter K. Rogan Lab, Western University
No classification provided (evidence only). Condition: Gastric cancer. Review status: no classification provided. Collection method: in vitro. Allele origin: not applicable. Functional consequence: retained intron. Not counted in ClinVar's aggregate classification.

Dr. Peter K. Rogan Lab, Western University
No classification provided (evidence only). Condition: Uterine carcinosarcoma. Review status: no classification provided. Collection method: in vitro. Allele origin: not applicable. Functional consequence: retained intron. Not counted in ClinVar's aggregate classification.

Dr. Peter K. Rogan Lab, Western University
No classification provided (evidence only). Condition: Uveal melanoma. Review status: no classification provided. Collection method: in vitro. Allele origin: not applicable. Functional consequence: retained intron. Not counted in ClinVar's aggregate classification.

Dr. Peter K. Rogan Lab, Western University
No classification provided (evidence only). Condition: Uveal melanoma. Review status: no classification provided. Collection method: in vitro. Allele origin: not applicable. Functional consequence: retained intron. Not counted in ClinVar's aggregate classification.

Dr. Peter K. Rogan Lab, Western University
No classification provided (evidence only). Condition: Uveal melanoma. Review status: no classification provided. Collection method: in vitro. Allele origin: not applicable. Functional consequence: retained intron. Not counted in ClinVar's aggregate classification.

Dr. Peter K. Rogan Lab, Western University
No classification provided (evidence only). Condition: Malignant tumor of esophagus. Review status: no classification provided. Collection method: in vitro. Allele origin: not applicable. Functional consequence: retained intron. Not counted in ClinVar's aggregate classification.